The following is an entry in ClinVar:

ClinVar aggregate classification (germline): Benign. Review status: criteria provided, single submitter (1 of 4 stars). 2 submissions from 2 submitters: Benign (1). 1 of the submissions does not count toward it. Last evaluated 2025-10-22.

Conditions:
TBC1D8B-related disorder. Also called: TBC1D8B-related condition.

Allele frequency attached by ClinVar (database versions not stated): ExAC 0.00058; 1000 Genomes Project 30x 0.00083; 1000 Genomes Project 0.00106; gnomAD 0.00162; TOPMed 0.00181; ESP Exome Variant Server 0.00189.
gnomAD v4.1: 504 of 1,185,729 alleles (0.043%); highest among the groups gnomAD compares: African/African-American, 0.57%; 7 homozygotes.

Submissions (2):

Labcorp Genetics (formerly Invitae), Labcorp
Classification: Benign. Last evaluated: 2025-10-22. Review status: criteria provided, single submitter. Criteria: Invitae Variant Classification Sherloc (09022015). Collection method: clinical testing. Allele origin: germline.

PreventionGenetics, part of Exact Sciences
Classification: Likely benign for TBC1D8B-related condition. Last evaluated: 2022-01-09. Review status: no assertion criteria provided. Collection method: clinical testing. Allele origin: germline. Not counted in ClinVar's aggregate classification.
Comment: This variant is classified as likely benign based on ACMG/AMP sequence variant interpretation guidelines (Richards et al. 2015 PMID: 25741868, with internal and published modifications).

NM_017752.3(TBC1D8B):c.1250T>G (p.Val417Gly)

Gene: TBC1D8B (TBC1 domain family member 8B; plus strand). Cytogenetic location: Xq22.3.
Variant type: single nucleotide variant.
Coding change: c.1250T>G on transcript NM_017752.3 (MANE Select); coding-DNA position 1250, T replaced by G.
Protein change: p.Val417Gly; replaces valine 417 with glycine.
Molecular consequence: missense variant.
Genome position (GRCh38, 1-based): chrX:106,839,354, T>G. VCF-style: chrX-106839354-T-G. GRCh37 (hg19) VCF-style: chrX-106082584-T-G.
Other names: c.1250T>G, p.Val417Gly (NM_198881.2); c.1250T>G (NM_017752.2); short protein forms V417G.
Identifiers: ClinVar variation 2060910 (VCV002060910.6), dbSNP rs111863866, ClinGen allele CA10483107.